The following is an entry in ClinVar:

NM_001330239.4(TJP1):c.4040A>C (p.Asp1347Ala)

Gene: TJP1 (tight junction protein 1; minus strand). Cytogenetic location: 15q13.1.
Variant type: single nucleotide variant.
Coding change: c.4040A>C on transcript NM_001330239.4 (MANE Select); coding-DNA position 4040, A replaced by C.
Protein change: p.Asp1347Ala; replaces aspartic acid 1347 with alanine.
Molecular consequence: missense variant.
Genome position (GRCh38, 1-based): chr15:29,716,773, T>G on the plus strand (A>C on the coding strand, the complement: TJP1 is on the minus strand). VCF-style: chr15-29716773-T-G. GRCh37 (hg19) VCF-style: chr15-30008977-T-G.
Other names: c.4319A>C, p.Asp1440Ala (NM_001301025.3, NM_001355012.2); c.3812A>C, p.Asp1271Ala (NM_001301026.2); c.4052A>C, p.Asp1351Ala (NM_001355013.1); c.4040A>C, p.Asp1347Ala (NM_001355014.2, NM_003257.5); c.3800A>C, p.Asp1267Ala (NM_001355015.2, NM_175610.4); short protein forms D1267A, D1271A, D1347A, D1351A, D1440A.
Identifiers: ClinVar variation 3056593 (VCV003056593.2), dbSNP rs2291166, ClinGen allele CA7446612.

ClinVar aggregate classification (germline): Benign (0 of 4 stars; one submission).

Conditions:
TJP1-related disorder. Also called: TJP1-related condition.

Allele frequency attached by ClinVar (database versions not stated): 1000 Genomes Project 30x 0.03560; 1000 Genomes Project 0.03654; TOPMed 0.04013; gnomAD 0.04439; ESP Exome Variant Server 0.04785; ExAC 0.04899.
gnomAD v4.1: 92,339 of 1,614,036 alleles (5.7%); highest among the groups gnomAD compares: South Asian, 8.3%; 2,953 homozygotes.

Submission:

PreventionGenetics, part of Exact Sciences
Classification: Benign for TJP1-related condition. Last evaluated: 2019-07-13. Review status: no assertion criteria provided. Collection method: clinical testing. Allele origin: germline.
Comment: This variant is classified as benign based on ACMG/AMP sequence variant interpretation guidelines (Richards et al. 2015 PMID: 25741868, with internal and published modifications).